The following is an entry in ClinVar:

NM_005560.6(LAMA5):c.836G>A (p.Arg279Gln)

Gene: LAMA5 (laminin subunit alpha 5; minus strand). Cytogenetic location: 20q13.33.
Variant type: single nucleotide variant.
Coding change: c.836G>A on transcript NM_005560.6 (MANE Select); coding-DNA position 836, G replaced by A.
Protein change: p.Arg279Gln; replaces arginine 279 with glutamine.
Molecular consequence: missense variant.
Genome position (GRCh38, 1-based): chr20:62,351,931, C>T on the plus strand (G>A on the coding strand, the complement: LAMA5 is on the minus strand). VCF-style: chr20-62351931-C-T. GRCh37 (hg19) VCF-style: chr20-60926987-C-T.
Other names: p.Arg279Gln; c.836G>A (NM_005560.3); short protein forms R279Q.
Identifiers: ClinVar variation 2170154 (VCV002170154.6), dbSNP rs141366910, ClinGen allele CA9944276.

ClinVar aggregate classification (germline): Conflicting classifications of pathogenicity. Review status: criteria provided, conflicting classifications (1 of 4 stars). 3 submissions from 3 submitters: Uncertain significance (1); Benign (1); Likely benign (1). Last evaluated 2025-12-07.

Conditions:
Inborn genetic diseases. Identifiers: MedGen C0950123, MeSH D030342.

Allele frequency attached by ClinVar (database versions not stated): gnomAD 0.00027; TOPMed 0.00037; ESP Exome Variant Server 0.00046.
gnomAD v4.1: 477 of 1,608,714 alleles (0.03%); highest among the groups gnomAD compares: Admixed American, 0.029%; 3 homozygotes.

Submissions (3):

Mayo Clinic Laboratories, Mayo Clinic
Classification: Likely benign. Last evaluated: 2025-12-07. Review status: criteria provided, single submitter. Criteria: ACMG Guidelines, 2015. Collection method: clinical testing. Allele origin: germline. Observed: 1 variant allele.
Comment: BS1, BP4

Labcorp Genetics (formerly Invitae), Labcorp
Classification: Benign. Last evaluated: 2025-05-19. Review status: criteria provided, single submitter. Criteria: Invitae Variant Classification Sherloc (09022015). Collection method: clinical testing. Allele origin: germline.

Ambry Genetics
Classification: Uncertain significance for Inborn genetic diseases. Last evaluated: 2022-05-04. Review status: criteria provided, single submitter. Criteria: Ambry Variant Classification Scheme 2023. Collection method: clinical testing. Allele origin: germline.